The following is an entry in ClinVar:

ClinVar aggregate classification (germline): Uncertain significance (1 of 4 stars; one submission).

Conditions:
Cardiovascular phenotype. Identifiers: MedGen CN230736.

Submission:

Ambry Genetics
Classification: Uncertain significance for Cardiovascular phenotype. Last evaluated: 2023-11-01. Review status: criteria provided, single submitter. Criteria: Ambry Variant Classification Scheme 2023. Collection method: clinical testing. Allele origin: germline.
Comment: The p.C491Y variant (also known as c.1472G>A), located in coding exon 13 of the PRDM5 gene, results from a G to A substitution at nucleotide position 1472. The cysteine at codon 491 is replaced by tyrosine, an amino acid with highly dissimilar properties. This amino acid position is conserved. In addition, this alteration is predicted to be deleterious by in silico analysis. Since supporting evidence is limited at this time, the clinical significance of this alteration remains unclear.

NM_018699.4(PRDM5):c.1472G>A (p.Cys491Tyr)

Gene: PRDM5 (PR/SET domain 5; minus strand). Cytogenetic location: 4q27.
Variant type: single nucleotide variant.
Coding change: c.1472G>A on transcript NM_018699.4 (MANE Select); coding-DNA position 1472, G replaced by A.
Protein change: p.Cys491Tyr; replaces cysteine 491 with tyrosine.
Molecular consequence: missense variant.
Genome position (GRCh38, 1-based): chr4:120,777,253, C>T on the plus strand (G>A on the coding strand, the complement: PRDM5 is on the minus strand). VCF-style: chr4-120777253-C-T. GRCh37 (hg19) VCF-style: chr4-121698408-C-T.
Other names: c.1379G>A, p.Cys460Tyr (NM_001300823.2, NM_001300824.2, NM_001379106.1); c.1505G>A, p.Cys502Tyr (NM_001379104.1); short protein forms C460Y, C491Y, C502Y.
Identifiers: ClinVar variation 3227140 (VCV003227140.1), dbSNP rs1748305634, ClinGen allele CA358208429.